The following is an entry in ClinVar:

ClinVar aggregate classification (germline): Uncertain significance. Review status: criteria provided, multiple submitters, no conflicts (2 of 4 stars). 3 submissions from 3 submitters: Uncertain significance (3). Last evaluated 2024-12-23.

Conditions:
Hereditary nonpolyposis colorectal neoplasms. Identifiers: MedGen C0009405, MeSH D003123.
Hereditary cancer-predisposing syndrome. Also called: Neoplastic Syndromes, Hereditary; Tumor predisposition; Hereditary neoplastic syndrome; Hereditary Cancer Syndrome. Identifiers: Orphanet 140162, MedGen C0027672, MeSH D009386, MONDO:0015356.

Submissions (3):

Color Diagnostics, LLC DBA Color Health
Classification: Uncertain significance for Hereditary cancer-predisposing syndrome. Last evaluated: 2024-12-23. Review status: criteria provided, single submitter. Criteria: ACMG Guidelines, 2015. Collection method: clinical testing. Allele origin: germline.
Comment: This missense variant replaces proline with alanine at codon 296 of the PMS2 protein. Computational prediction suggests that this variant may have deleterious impact on protein structure and function (internally defined REVEL score threshold >= 0.7, PMID: 27666373). To our knowledge, functional studies have not been reported for this variant. This variant has not been reported in individuals affected with PMS2-related disorders in the literature. This variant has not been identified in the general population by the Genome Aggregation Database (gnomAD). The available evidence is insufficient to determine the role of this variant in disease conclusively. Therefore, this variant is classified as a Variant of Uncertain Significance.

Ambry Genetics
Classification: Uncertain significance for Hereditary cancer-predisposing syndrome. Last evaluated: 2021-12-29. Review status: criteria provided, single submitter. Criteria: Ambry Variant Classification Scheme 2023. Collection method: clinical testing. Allele origin: germline.
Comment: The p.P296A variant (also known as c.886C>G), located in coding exon 8 of the PMS2 gene, results from a C to G substitution at nucleotide position 886. The proline at codon 296 is replaced by alanine, an amino acid with highly similar properties. This amino acid position is highly conserved in available vertebrate species. In addition, this alteration is predicted to be deleterious by in silico analysis. Since supporting evidence is limited at this time, the clinical significance of this alteration remains unclear.

Labcorp Genetics (formerly Invitae), Labcorp
Classification: Uncertain significance for Hereditary nonpolyposis colorectal neoplasms. Last evaluated: 2021-09-01. Review status: criteria provided, single submitter. Criteria: Invitae Variant Classification Sherloc (09022015). Collection method: clinical testing. Allele origin: germline.
Comment: This sequence change replaces proline with alanine at codon 296 of the PMS2 protein (p.Pro296Ala). The proline residue is highly conserved and there is a small physicochemical difference between proline and alanine. This variant is not present in population databases (ExAC no frequency). This variant has not been reported in the literature in individuals affected with PMS2-related conditions. Algorithms developed to predict the effect of missense changes on protein structure and function (SIFT, PolyPhen-2, Align-GVGD) all suggest that this variant is likely to be disruptive. In summary, the available evidence is currently insufficient to determine the role of this variant in disease. Therefore, it has been classified as a Variant of Uncertain Significance.

NM_000535.7(PMS2):c.886C>G (p.Pro296Ala)

Gene: PMS2 (PMS1 homolog 2, mismatch repair system component; minus strand). Cytogenetic location: 7p22.1.
Variant type: single nucleotide variant.
Coding change: c.886C>G on transcript NM_000535.7 (MANE Select); coding-DNA position 886, C replaced by G.
Protein change: p.Pro296Ala; replaces proline 296 with alanine.
Molecular consequence: missense variant. On other transcripts: 5 prime UTR variant (2), non-coding transcript variant (1).
Genome position (GRCh38, 1-based): chr7:5,995,551, G>C on the plus strand (C>G on the coding strand, the complement: PMS2 is on the minus strand). VCF-style: chr7-5995551-G-C. GRCh37 (hg19) VCF-style: chr7-6035182-G-C.
Other names: c.481C>G, p.Pro161Ala (NM_001322003.2, NM_001322004.2, NM_001322005.2 and 2 more transcripts); c.886C>G, p.Pro296Ala (NM_001322006.2, NM_001322014.2); c.568C>G, p.Pro190Ala (NM_001322007.2, NM_001322008.2); c.-48C>G (NM_001322011.2, NM_001322012.2); c.313C>G, p.Pro105Ala (NM_001322013.2); c.577C>G, p.Pro193Ala (NM_001322015.2); short protein forms P296A, P190A, P105A, P193A, P161A.
Identifiers: ClinVar variation 578907 (VCV000578907.11), dbSNP rs375553553, ClinGen allele CA366743430.
Genomic context (GRCh38, chr7:5,995,551, plus strand): 5'-CAAAGGCATAAAGAACAAACTAACACAAAAAAATTTTAAATACCTTTGCTGGGTCACAAG[G>C]CCGCCGGTTGATAAAGAAAAACTGTCTGTCTGTTGAACTCCTTCCAACTCCATGCGTGCA-3'
Protein context (NP_000526.2, residues 286-306): DRQFFFINRR[Pro296Ala]CDPAKVCRLV